The following is an entry in ClinVar:

NM_001232.4(CASQ2):c.1082G>A (p.Trp361Ter)

Gene: CASQ2 (calsequestrin 2; minus strand). Cytogenetic location: 1p13.1.
Variant type: single nucleotide variant.
Coding change: c.1082G>A on transcript NM_001232.4 (MANE Select); coding-DNA position 1082, G replaced by A.
Protein change: p.Trp361Ter; replaces tryptophan 361 with a stop codon.
Molecular consequence: nonsense.
Genome position (GRCh38, 1-based): chr1:115,701,359, C>T on the plus strand (G>A on the coding strand, the complement: CASQ2 is on the minus strand). VCF-style: chr1-115701359-C-T. GRCh37 (hg19) VCF-style: chr1-116243980-C-T.
Other names: short protein forms W361*.
Identifiers: ClinVar variation 2717451 (VCV002717451.3), dbSNP rs786205792, ClinGen allele CA341766402.
Genomic context (GRCh38, chr1:115,701,359, plus strand): 5'-TCATCATCATCTTCATCATCATCTTCAGTGTTTATCTTTCCAGAAAGCACATCCTCAATC[C>T]AGTCCTCCAGCTCCTCAGCAGTTGGAAGATCGTCATCATCTGGAATCTCCATCCAGACAC-3'

ClinVar aggregate classification (germline): Pathogenic (1 of 4 stars; one submission).

Conditions:
Catecholaminergic polymorphic ventricular tachycardia 1. Also called: VENTRICULAR TACHYCARDIA, STRESS-INDUCED POLYMORPHIC 1; RYR2-Related Catecholaminergic Polymorphic Ventricular Tachycardia; VENTRICULAR TACHYCARDIA, CATECHOLAMINERGIC POLYMORPHIC, 1, WITH OR WITHOUT ATRIAL DYSFUNCTION AND/OR DILATED CARDIOMYOPATHY. Identifiers: Orphanet 3286, MedGen C1631597, MONDO:0011484, OMIM 604772.

Submission:

Labcorp Genetics (formerly Invitae), Labcorp
Classification: Pathogenic for Catecholaminergic polymorphic ventricular tachycardia 1. Last evaluated: 2023-06-16. Review status: criteria provided, single submitter. Criteria: Invitae Variant Classification Sherloc (09022015). Collection method: clinical testing. Allele origin: germline.
Comment: This sequence change creates a premature translational stop signal (p.Trp361*) in the CASQ2 gene. While this is not anticipated to result in nonsense mediated decay, it is expected to disrupt the last 39 amino acid(s) of the CASQ2 protein. This variant is not present in population databases (gnomAD no frequency). This premature translational stop signal has been observed in individual(s) with catecholaminergic polymorphic ventricular tachycardia (PMID: 23595086, 30729048). In at least one individual the data is consistent with being in trans (on the opposite chromosome) from a pathogenic variant. This variant disrupts a region of the CASQ2 protein in which other variant(s) (p.Leu366Pro) have been determined to be pathogenic (PMID: 32693635). This suggests that this is a clinically significant region of the protein, and that variants that disrupt it are likely to be disease-causing. For these reasons, this variant has been classified as Pathogenic.

Literature cited by the submitters: PubMed 23595086; PubMed 30729048; PubMed 32693635.